The following is an entry in ClinVar:

ClinVar aggregate classification (germline): Likely benign (0 of 4 stars; one submission).

Conditions:
LRP1B-related disorder. Also called: LRP1B-related condition.

Allele frequency attached by ClinVar (database versions not stated): ExAC 0.00017; 1000 Genomes Project 0.00080; ESP Exome Variant Server 0.00085; 1000 Genomes Project 30x 0.00125.
gnomAD v4.1: 228 of 1,612,510 alleles (0.014%); highest among the groups gnomAD compares: African/African-American, 0.28%; 1 homozygote.

Submission:

PreventionGenetics, part of Exact Sciences
Classification: Likely benign for LRP1B-related condition. Last evaluated: 2023-02-15. Review status: no assertion criteria provided. Collection method: clinical testing. Allele origin: germline.
Comment: This variant is classified as likely benign based on ACMG/AMP sequence variant interpretation guidelines (Richards et al. 2015 PMID: 25741868, with internal and published modifications).

NM_018557.3(LRP1B):c.3187G>A (p.Asp1063Asn)

Gene: LRP1B (LDL receptor related protein 1B; minus strand). Cytogenetic location: 2q22.1.
Variant type: single nucleotide variant.
Coding change: c.3187G>A on transcript NM_018557.3 (MANE Select); coding-DNA position 3187, G replaced by A.
Protein change: p.Asp1063Asn; replaces aspartic acid 1063 with asparagine.
Molecular consequence: missense variant.
Genome position (GRCh38, 1-based): chr2:140,923,097, C>T on the plus strand (G>A on the coding strand, the complement: LRP1B is on the minus strand). VCF-style: chr2-140923097-C-T. GRCh37 (hg19) VCF-style: chr2-141680666-C-T.
Other names: short protein forms D1063N.
Identifiers: ClinVar variation 3054705 (VCV003054705.2), dbSNP rs145911859, ClinGen allele CA1895469.